The following is an entry in ClinVar:

NM_033028.5(BBS4):c.76+1G>T

Gene: BBS4 (Bardet-Biedl syndrome 4; plus strand). Cytogenetic location: 15q24.1.
Variant type: single nucleotide variant.
Coding change: c.76+1G>T on transcript NM_033028.5 (MANE Select); the canonical splice donor site of the intron after coding-DNA position 76, G replaced by T.
Molecular consequence: splice donor variant. On other transcripts: intron variant (1).
Genome position (GRCh38, 1-based): chr15:72,695,229, G>T. VCF-style: chr15-72695229-G-T. GRCh37 (hg19) VCF-style: chr15-72987570-G-T.
Other names: c.76+1G>T (NM_001320665.2); c.-446+8978G>T (NM_001252678.2).
Identifiers: ClinVar variation 585186 (VCV000585186.10), dbSNP rs1465437164, ClinGen allele CA393075595.

ClinVar aggregate classification (germline): Pathogenic. Review status: criteria provided, multiple submitters, no conflicts (2 of 4 stars). 4 submissions from 4 submitters: Pathogenic (3). 1 of the submissions does not count toward it. Last evaluated 2026-05-11.

Conditions:
BBS4-related disorder. Also called: BBS4-related condition.
Bardet-Biedl syndrome (BBS). Identifiers: Orphanet 110, MedGen C0752166, MONDO:0015229.
Bardet-Biedl syndrome 4 (BBS4). Identifiers: Orphanet 110, MedGen C2936864, MONDO:0014433, OMIM 615982.

gnomAD v4.1: 3 of 1,586,216 alleles (0.00019%); highest among the groups gnomAD compares: Non-Finnish European, 0.00026%; no homozygotes.

Submissions (4):

PreventionGenetics, part of Exact Sciences
Classification: Pathogenic for BBS4-related condition. Last evaluated: 2026-05-11. Review status: criteria provided, single submitter. Criteria: ACMG Guidelines, 2015. Collection method: clinical testing. Allele origin: germline.
Comment: The BBS4 c.76+1G>T variant is predicted to disrupt the GT donor site and interfere with normal splicing. This variant was reported two fetuses with Bardet-Biedl syndrome. Both patients were also carrying the c.657delG variant. It is unclear if the reported patients were related and if the variants were detected on opposites alleles (Patients d82, d83, Table 1; Mary et al. 2019. PubMed ID: 30614526). This variant is reported in 0.00088% of alleles in individuals of European (non-Finnish) descent in gnomAD. Variants that disrupt the consensus splice donor site in BBS4 are expected to be pathogenic. This variant is interpreted as pathogenic.

Fulgent Genetics
Classification: Pathogenic for Bardet-Biedl syndrome 4. Last evaluated: 2024-03-05. Review status: criteria provided, single submitter. Criteria: ACMG Guidelines, 2015. Collection method: clinical testing. Allele origin: germline.

Labcorp Genetics (formerly Invitae), Labcorp
Classification: Pathogenic for Bardet-Biedl syndrome. Last evaluated: 2023-11-06. Review status: criteria provided, single submitter. Criteria: Invitae Variant Classification Sherloc (09022015). Collection method: clinical testing. Allele origin: germline.
Comment: This sequence change affects a donor splice site in intron 2 of the BBS4 gene. It is expected to disrupt RNA splicing. Variants that disrupt the donor or acceptor splice site typically lead to a loss of protein function (PMID: 16199547), and loss-of-function variants in BBS4 are known to be pathogenic (PMID: 11381270, 12016587, 20177705, 27894351). This variant is present in population databases (no rsID available, gnomAD 0.0009%). Disruption of this splice site has been observed in individuals with clinical features of Bardet-Biedl syndrome (PMID: 30614526; Invitae). ClinVar contains an entry for this variant (Variation ID: 585186). Algorithms developed to predict the effect of sequence changes on RNA splicing suggest that this variant may disrupt the consensus splice site. For these reasons, this variant has been classified as Pathogenic.

Laboratory of Medical Genetics (UMR_S 1112), INSERM/Strasbourg University
Classification: Pathogenic for Bardet-Biedl syndrome. Last evaluated: 2018-09-15. Review status: no assertion criteria provided. Collection method: provider interpretation. Allele origin: germline. Affected: yes. Study: French fetal BBS cohort. Not counted in ClinVar's aggregate classification.

Literature cited by the submitters: PubMed 16199547 (cited by Labcorp Genetics (formerly Invitae), Labcorp); PubMed 11381270 (cited by Labcorp Genetics (formerly Invitae), Labcorp); PubMed 12016587 (cited by Labcorp Genetics (formerly Invitae), Labcorp); PubMed 20177705 (cited by Labcorp Genetics (formerly Invitae), Labcorp); PubMed 27894351 (cited by Labcorp Genetics (formerly Invitae), Labcorp); PubMed 30614526 (cited by Labcorp Genetics (formerly Invitae), Labcorp and Laboratory of Medical Genetics (UMR_S 1112), INSERM/Strasbourg University).